The following is an entry in ClinVar:

ClinVar aggregate classification (germline): Uncertain significance (1 of 4 stars; one submission).

Conditions:
Hereditary cancer-predisposing syndrome. Also called: Hereditary Cancer Syndrome; Hereditary neoplastic syndrome; Tumor predisposition; Neoplastic Syndromes, Hereditary. Identifiers: Orphanet 140162, MedGen C0027672, MeSH D009386, MONDO:0015356.
Cardiovascular phenotype. Identifiers: MedGen CN230736.

Allele frequency attached by ClinVar (database versions not stated): gnomAD exomes below 0.00001; ExAC 0.00001.
gnomAD v4.1: 2 of 1,613,984 alleles (0.00012%); highest among the groups gnomAD compares: East Asian, 0.0022%; no homozygotes.

Submission:

Ambry Genetics
Classification: Uncertain significance for Cardiovascular phenotype; Hereditary cancer-predisposing syndrome. Last evaluated: 2022-02-12. Review status: criteria provided, single submitter. Criteria: Ambry Variant Classification Scheme 2023. Collection method: clinical testing. Allele origin: germline.
Comment: The p.V364M variant (also known as c.1090G>A), located in coding exon 10 of the LZTR1 gene, results from a G to A substitution at nucleotide position 1090. The valine at codon 364 is replaced by methionine, an amino acid with highly similar properties. This amino acid position is conserved. In addition, this alteration is predicted to be tolerated by in silico analysis. Since supporting evidence is limited at this time, the clinical significance of this alteration remains unclear.

NM_006767.4(LZTR1):c.1090G>A (p.Val364Met)

Gene: LZTR1 (leucine zipper like post translational regulator 1; plus strand). Cytogenetic location: 22q11.21.
Variant type: single nucleotide variant.
Coding change: c.1090G>A on transcript NM_006767.4 (MANE Select); coding-DNA position 1090, G replaced by A.
Protein change: p.Val364Met; replaces valine 364 with methionine.
Molecular consequence: missense variant.
Genome position (GRCh38, 1-based): chr22:20,992,310, G>A. VCF-style: chr22-20992310-G-A. GRCh37 (hg19) VCF-style: chr22-21346599-G-A.
Other names: short protein forms V364M.
Identifiers: ClinVar variation 1789227 (VCV001789227.2), dbSNP rs755711408, ClinGen allele CA10118717.